The following is an entry in ClinVar:

NM_002693.3(POLG):c.2126G>A (p.Arg709Gln)

Gene: POLG (DNA polymerase gamma, catalytic subunit; minus strand). Cytogenetic location: 15q26.1.
Variant type: single nucleotide variant.
Coding change: c.2126G>A on transcript NM_002693.3 (MANE Select); coding-DNA position 2126, G replaced by A.
Protein change: p.Arg709Gln; replaces arginine 709 with glutamine.
Molecular consequence: missense variant.
Genome position (GRCh38, 1-based): chr15:89,323,846, C>T on the plus strand (G>A on the coding strand, the complement: POLG is on the minus strand). VCF-style: chr15-89323846-C-T. GRCh37 (hg19) VCF-style: chr15-89867077-C-T.
Other names: c.2126G>A, p.Arg709Gln (NM_001126131.2); short protein forms R709Q.
Identifiers: ClinVar variation 619322 (VCV000619322.14), dbSNP rs1015705626, ClinGen allele CA10602218.

ClinVar aggregate classification (germline): Uncertain significance. Review status: criteria provided, multiple submitters, no conflicts (2 of 4 stars). 5 submissions from 5 submitters: Uncertain significance (5). Last evaluated 2026-03-26.

Conditions:
POLG-related disorder. Also called: POLG-Related Spectrum Disorders; POLG-related condition; POLG-Related Disorders. Identifiers: MedGen C4763519.
Progressive sclerosing poliodystrophy (MTDPS4A). Also called: Mitochondrial DNA Depletion Syndrome 4A; ALPERS PROGRESSIVE INFANTILE POLIODYSTROPHY; Alpers Syndrome; NEURONAL DEGENERATION OF CHILDHOOD WITH LIVER DISEASE, PROGRESSIVE; Alpers-Huttenlocher Syndrome (AHS); ALPERS DIFFUSE DEGENERATION OF CEREBRAL GRAY MATTER WITH HEPATIC CIRRHOSIS. Identifiers: Orphanet 726, MedGen C0205710, MONDO:0008758, OMIM 203700.
Inborn genetic diseases. Identifiers: MedGen C0950123, MeSH D030342.

Allele frequency attached by ClinVar (database versions not stated): gnomAD exomes 0.00001; TOPMed 0.00001; gnomAD 0.00002.
gnomAD v4.1: 14 of 1,614,040 alleles (0.00087%); highest among the groups gnomAD compares: East Asian, 0.0022%; no homozygotes.

Submissions (5):

PreventionGenetics, part of Exact Sciences
Classification: Uncertain significance for POLG-related condition. Last evaluated: 2026-03-26. Review status: criteria provided, single submitter. Criteria: ACMG Guidelines, 2015. Collection method: clinical testing. Allele origin: germline.
Comment: The POLG c.2126G>A variant is predicted to result in the amino acid substitution p.Arg709Gln. To our knowledge, this variant has not been reported in the literature or in a large population database (gnomAD), indicating this variant is rare. At this time, the clinical significance of this variant is uncertain due to the absence of conclusive functional and genetic evidence.

Labcorp Genetics (formerly Invitae), Labcorp
Classification: Uncertain significance for Progressive sclerosing poliodystrophy. Last evaluated: 2025-09-22. Review status: criteria provided, single submitter. Criteria: Invitae Variant Classification Sherloc (09022015). Collection method: clinical testing. Allele origin: germline.
Comment: This sequence change replaces arginine, which is basic and polar, with glutamine, which is neutral and polar, at codon 709 of the POLG protein (p.Arg709Gln). This variant is not present in population databases (gnomAD no frequency). This variant has not been reported in the literature in individuals affected with POLG-related conditions. ClinVar contains an entry for this variant (Variation ID: 619322). Invitae Evidence Modeling of protein sequence and biophysical properties (such as structural, functional, and spatial information, amino acid conservation, physicochemical variation, residue mobility, and thermodynamic stability) indicates that this missense variant is not expected to disrupt POLG protein function with a negative predictive value of 95%. In summary, the available evidence is currently insufficient to determine the role of this variant in disease. Therefore, it has been classified as a Variant of Uncertain Significance.

Ambry Genetics
Classification: Uncertain significance for Inborn genetic diseases. Last evaluated: 2025-03-30. Review status: criteria provided, single submitter. Criteria: Ambry Variant Classification Scheme 2023. Collection method: clinical testing. Allele origin: germline.

GeneDx
Classification: Uncertain significance. Last evaluated: 2023-11-27. Review status: criteria provided, single submitter. Criteria: GeneDx Variant Classification Process June 2021. Collection method: clinical testing. Allele origin: germline. Affected: yes.
Comment: Not observed at significant frequency in large population cohorts (gnomAD); In silico analysis supports that this missense variant does not alter protein structure/function; Has not been previously published as pathogenic or benign to our knowledge

Wong Mito Lab, Molecular and Human Genetics, Baylor College of Medicine
Classification: Uncertain significance for Progressive sclerosing poliodystrophy. Last evaluated: 2018-10-01. Review status: criteria provided, single submitter. Criteria: ACMG Guidelines, 2015. Collection method: clinical testing. Allele origin: germline.
Comment: The NM_002693.2:c.2126G>A (NP_002684.1:p.Arg709Gln) [GRCH38: NC_000015.10:g.89323846C>T] variant in POLG gene is interpretated to be a Uncertain Significance based on ACMG guidelines (PMID: 25741868). This variant meets the following evidence codes reported in the ACMG-guideline. BP4:Computational evidence/predictors indicate no impact on the POLG structure, function, or protein-protein interaction. Based on the evidence criteria codes applied, the variant is suggested to be Uncertain Significance.